The following is an entry in ClinVar:

NM_004304.5(ALK):c.4059C>A (p.Asn1353Lys)

Gene: ALK (ALK receptor tyrosine kinase; minus strand). Cytogenetic location: 2p23.2.
Variant type: single nucleotide variant.
Coding change: c.4059C>A on transcript NM_004304.5 (MANE Select); coding-DNA position 4059, C replaced by A.
Protein change: p.Asn1353Lys; replaces asparagine 1353 with lysine.
Molecular consequence: missense variant.
Genome position (GRCh38, 1-based): chr2:29,197,556, G>T on the plus strand (C>A on the coding strand, the complement: ALK is on the minus strand). VCF-style: chr2-29197556-G-T. GRCh37 (hg19) VCF-style: chr2-29420422-G-T.
Other names: c.855C>A, p.Asn285Lys (NM_001353765.2); short protein forms N285K, N1353K.
Identifiers: ClinVar variation 824546 (VCV000824546.12), dbSNP rs1352529334, ClinGen allele CA346465832.

ClinVar aggregate classification (germline): Uncertain significance. Review status: criteria provided, multiple submitters, no conflicts (2 of 4 stars). 2 submissions from 2 submitters: Uncertain significance (2). Last evaluated 2025-07-07.

Conditions:
Hereditary cancer-predisposing syndrome. Also called: Neoplastic Syndromes, Hereditary; Hereditary Cancer Syndrome; Hereditary neoplastic syndrome; Tumor predisposition. Identifiers: Orphanet 140162, MedGen C0027672, MeSH D009386, MONDO:0015356.
Neuroblastoma, susceptibility to, 3. Also called: ALK-Related Neuroblastic Tumor Susceptibility. Identifiers: Orphanet 635, MedGen C2751681, MONDO:0013083, OMIM 613014.

Allele frequency attached by ClinVar (database versions not stated): gnomAD exomes below 0.00001; gnomAD 0.00001.
gnomAD v4.1: 2 of 1,613,546 alleles (0.00012%); highest among the groups gnomAD compares: East Asian, 0.0045%; no homozygotes.

Submissions (2):

Labcorp Genetics (formerly Invitae), Labcorp
Classification: Uncertain significance for Neuroblastoma, susceptibility to, 3. Last evaluated: 2025-07-07. Review status: criteria provided, single submitter. Criteria: Invitae Variant Classification Sherloc (09022015). Collection method: clinical testing. Allele origin: germline.
Comment: This sequence change replaces asparagine, which is neutral and polar, with lysine, which is basic and polar, at codon 1353 of the ALK protein (p.Asn1353Lys). This variant is present in population databases (no rsID available, gnomAD 0.01%). This variant has not been reported in the literature in individuals affected with ALK-related conditions. ClinVar contains an entry for this variant (Variation ID: 824546). An algorithm developed to predict the effect of missense changes on protein structure and function (PolyPhen-2) suggests that this variant is likely to be disruptive. In summary, the available evidence is currently insufficient to determine the role of this variant in disease. Therefore, it has been classified as a Variant of Uncertain Significance.

Ambry Genetics
Classification: Uncertain significance for Hereditary cancer-predisposing syndrome. Last evaluated: 2018-12-13. Review status: criteria provided, single submitter. Criteria: Ambry Variant Classification Scheme 2023. Collection method: clinical testing. Allele origin: germline.
Comment: The p.N1353K variant (also known as c.4059C>A), located in coding exon 27 of the ALK gene, results from a C to A substitution at nucleotide position 4059. The asparagine at codon 1353 is replaced by lysine, an amino acid with similar properties. This amino acid position is highly conserved in available vertebrate species. In addition, this alteration is predicted to be tolerated by in silico analysis. Since supporting evidence is limited at this time, the clinical significance of this alteration remains unclear.